The following is an entry in ClinVar:

NM_001039591.3(USP9X):c.6253C>T (p.Arg2085Cys)

Gene: USP9X (ubiquitin specific peptidase 9 X-linked; plus strand). Cytogenetic location: Xp11.4.
Variant type: single nucleotide variant.
Coding change: c.6253C>T on transcript NM_001039591.3 (MANE Select); coding-DNA position 6253, C replaced by T.
Protein change: p.Arg2085Cys; replaces arginine 2085 with cysteine.
Molecular consequence: missense variant.
Genome position (GRCh38, 1-based): chrX:41,218,415, C>T. VCF-style: chrX-41218415-C-T. GRCh37 (hg19) VCF-style: chrX-41077668-C-T.
Other names: c.6253C>T, p.Arg2085Cys (NM_001039590.3); c.6268C>T, p.Arg2090Cys (NM_001410748.1, NM_001410749.1); short protein forms R2085C, R2090C.
Identifiers: ClinVar variation 2577814 (VCV002577814.1), dbSNP rs2519379527, ClinGen allele CA412799637.

ClinVar aggregate classification (germline): Pathogenic (1 of 4 stars; one submission).

Submission:

GeneDx
Classification: Pathogenic. Last evaluated: 2023-08-25. Review status: criteria provided, single submitter. Criteria: GeneDx Variant Classification Process June 2021. Collection method: clinical testing. Allele origin: germline. Affected: yes.
Comment: Not observed at significant frequency in large population cohorts (gnomAD); In silico analysis supports that this missense variant has a deleterious effect on protein structure/function; Has not been previously published as pathogenic or benign to our knowledge